The following is an entry in ClinVar:

NM_000208.4(INSR):c.3485C>T (p.Ala1162Val)

Gene: INSR (insulin receptor; minus strand). Cytogenetic location: 19p13.2.
Variant type: single nucleotide variant.
Coding change: c.3485C>T on transcript NM_000208.4 (MANE Select); coding-DNA position 3485, C replaced by T.
Protein change: p.Ala1162Val; replaces alanine 1162 with valine.
Molecular consequence: missense variant.
Genome position (GRCh38, 1-based): chr19:7,122,658, G>A on the plus strand (C>T on the coding strand, the complement: INSR is on the minus strand). VCF-style: chr19-7122658-G-A. GRCh37 (hg19) VCF-style: chr19-7122669-G-A.
Other names: c.3449C>T, p.Ala1150Val (NM_001079817.3); short protein forms A1150V, A1162V.
Identifiers: ClinVar variation 2637065 (VCV002637065.2), dbSNP rs121913154, ClinGen allele CA403670207.

ClinVar aggregate classification (germline): Uncertain significance. Review status: criteria provided, multiple submitters, no conflicts (2 of 4 stars). 2 submissions from 2 submitters: Uncertain significance (2). Last evaluated 2025-03-27.

Conditions:
INSR-related disorder.

Allele frequency attached by ClinVar (database versions not stated): gnomAD exomes below 0.00001; TOPMed 0.00002.
gnomAD v4.1: 2 of 1,614,144 alleles (0.00012%); highest among the groups gnomAD compares: Non-Finnish European, 0.00017%; no homozygotes.

Submissions (2):

Labcorp Genetics (formerly Invitae), Labcorp
Classification: Uncertain significance. Last evaluated: 2025-03-27. Review status: criteria provided, single submitter. Criteria: Invitae Variant Classification Sherloc (09022015). Collection method: clinical testing. Allele origin: germline.
Comment: This sequence change replaces alanine, which is neutral and non-polar, with valine, which is neutral and non-polar, at codon 1162 of the INSR protein (p.Ala1162Val). This variant is not present in population databases (gnomAD no frequency). This missense change has been observed in individual(s) with INSR-related conditions (PMID: 27891155). ClinVar contains an entry for this variant (Variation ID: 2637065). Invitae Evidence Modeling of protein sequence and biophysical properties (such as structural, functional, and spatial information, amino acid conservation, physicochemical variation, residue mobility, and thermodynamic stability) indicates that this missense variant is expected to disrupt INSR protein function with a positive predictive value of 95%. In summary, the available evidence is currently insufficient to determine the role of this variant in disease. Therefore, it has been classified as a Variant of Uncertain Significance.

PreventionGenetics, part of Exact Sciences
Classification: Uncertain significance for INSR-related condition. Last evaluated: 2022-09-07. Review status: criteria provided, single submitter. Criteria: ACMG Guidelines, 2015. Collection method: clinical testing. Allele origin: germline.
Comment: The INSR c.3485C>T variant is predicted to result in the amino acid substitution p.Ala1162Val. This variant, also described as p.Ala1135Val using legacy nomenclature, was reported along with a second rare missense INSR variant in an individual with Rabson-Mendenhall syndrome (Moreira et al. 2010. PubMed ID: 20711714). An alternate substitution at the same amino acid (p.Ala1162Glu, also described as p.Ala1135Glu) has been reported in an individual with insulin-resistance, and functional studies supported its pathogenicity (Cama et al. 1993. PubMed ID: 8096518). This variant has not been reported in a large population database, indicating is rare. Although we suspect that this variant may be pathogenic, at this time, the clinical significance of this variant is uncertain due to the absence of conclusive functional and genetic evidence.

Literature cited by the submitters: PubMed 27891155 (cited by Labcorp Genetics (formerly Invitae), Labcorp).